The following is an entry in ClinVar:

ClinVar aggregate classification (germline): Pathogenic. Review status: reviewed by expert panel (3 of 4 stars). 4 submissions from 4 submitters: Pathogenic (1). 3 of the submissions do not count toward it. Last evaluated 2016-10-18.

Conditions:
Hereditary cancer-predisposing syndrome. Also called: Hereditary Cancer Syndrome; Neoplastic Syndromes, Hereditary; Hereditary neoplastic syndrome; Tumor predisposition. Identifiers: Orphanet 140162, MedGen C0027672, MeSH D009386, MONDO:0015356.
Breast-ovarian cancer, familial, susceptibility to, 1 (BROVCA1). Also called: BRCA1 Hereditary Breast and Ovarian Cancer; OVARIAN CANCER, SUSCEPTIBILITY TO. Identifiers: Orphanet 145, MedGen C2676676, MONDO:0011450, OMIM 604370. Disease mechanism: loss of function.

Submissions (4):

Evidence-based Network for the Interpretation of Germline Mutant Alleles (ENIGMA)
Classification: Pathogenic for Breast-ovarian cancer, familial, susceptibility to, 1. Last evaluated: 2016-10-18. Review status: reviewed by expert panel. Criteria: ENIGMA BRCA1/2 Classification Criteria (2015). Collection method: curation. Allele origin: germline.
Comment: Variant allele predicted to encode a truncated non-functional protein.

Ambry Genetics
Classification: Pathogenic for Hereditary cancer-predisposing syndrome. Last evaluated: 2021-04-16. Review status: criteria provided, single submitter. Criteria: Ambry Variant Classification Scheme 2023. Collection method: clinical testing. Allele origin: germline. Not counted in ClinVar's aggregate classification.
Comment: The c.2157_2160delAGAA pathogenic mutation, located in coding exon 9 of the BRCA1 gene, results from a deletion of 4 nucleotides at nucleotide positions 2157 to 2160, causing a translational frameshift with a predicted alternate stop codon (p.K719Nfs*16). In a study of 1854 high-risk families with breast and/or ovarian cancer in Italy, this alteration was detected in one family (Azzollini J et al. Eur J Intern Med, 2016 Jul;32:65-71). This alteration was also identified in a large, worldwide study of BRCA1/2 mutation positive families (Rebbeck TR et al. Hum Mutat, 2018 05;39:593-620). In addition to the clinical data presented in the literature, this alteration is expected to result in loss of function by premature protein truncation or nonsense-mediated mRNA decay. As such, this alteration is interpreted as a disease-causing mutation.

Color Diagnostics, LLC DBA Color Health
Classification: Pathogenic for Hereditary cancer-predisposing syndrome. Last evaluated: 2021-01-25. Review status: criteria provided, single submitter. Criteria: ACMG Guidelines, 2015. Collection method: clinical testing. Allele origin: germline. Not counted in ClinVar's aggregate classification.
Comment: This variant deletes 4 nucleotides in exon 10 of the BRCA1 gene, creating a frameshift and premature translation stop signal. This variant is expected to result in an absent or non-functional protein product. To our knowledge, functional studies have not been reported for this variant. This variant has been observed in at least one hereditary breast and ovarian cancer family (PMID: 24065114, 28199346, 29446198). This variant has not been identified in the general population by the Genome Aggregation Database (gnomAD). Loss of BRCA1 function is a known mechanism of disease. Based on the available evidence, this variant is classified as Pathogenic.

Consortium of Investigators of Modifiers of BRCA1/2 (CIMBA), c/o University of Cambridge
Classification: Pathogenic for Breast-ovarian cancer, familial, susceptibility to, 1. Last evaluated: 2015-10-02. Review status: criteria provided, single submitter. Criteria: CIMBA Mutation Classification guidelines May 2016. Collection method: clinical testing. Allele origin: germline. Not counted in ClinVar's aggregate classification.

Literature cited by the submitters: PubMed 27062684 (cited by Ambry Genetics); PubMed 29446198 (cited by Ambry Genetics).

NM_007294.4(BRCA1):c.2157_2160del (p.Lys719fs)

Gene: BRCA1 (BRCA1 DNA repair associated; minus strand). Cytogenetic location: 17q21.31.
Variant type: Deletion.
Coding change: c.2157_2160del on transcript NM_007294.4 (MANE Select); coding-DNA positions 2157 to 2160, 4 bases deleted (AGAA; older notation c.2157_2160delAGAA).
Protein change: p.Lys719fs; shifts the reading frame from lysine 719.
Molecular consequence: frameshift variant. On other transcripts: intron variant (137).
Genome position (GRCh38, 1-based): chr17:43,093,371-43,093,374, TTCT deleted on the plus strand (AGAA on the coding strand, the reverse complement: BRCA1 is on the minus strand); deleting any 4 consecutive bases within chr17:43,093,371-43,093,376 gives the same sequence; the c. name uses the placement nearest the transcript's 3' end. VCF-style (leftmost placement, unchanged base first): chr17-43093370-ATTCT-A. GRCh37 (hg19) VCF-style: chr17-41245387-ATTCT-A.
Other names: 2276_2279delAGAA; c.2157_2160delAGAA (NM_007294.3); c.2154_2157del, p.Lys718fs (NM_001407861.1, NM_001407587.1, NM_001407590.1 and 22 more transcripts); c.1956_1959del, p.Lys652fs (NM_001407862.1); c.2034_2037del, p.Lys678fs (NM_001407863.1, NM_001407919.1, NM_001407937.1 and 19 more transcripts); c.1953_1956del, p.Lys651fs (NM_001407874.1, NM_001407875.1); c.1947_1950del, p.Lys649fs (NM_001407879.1, NM_001407881.1, NM_001407882.1 and 13 more transcripts); c.1944_1947del, p.Lys648fs (NM_001407894.1, NM_001407895.1, NM_001407896.1 and 9 more transcripts); and 44 more; short protein forms K672fs, K719fs, K551fs, K591fs, K677fs, K607fs, K608fs, K630fs.
Identifiers: ClinVar variation 266228 (VCV000266228.11), dbSNP rs886040005, ClinGen allele CA10589884.